The following is an entry in ClinVar:

NM_000500.9(CYP21A2):c.550-8T>C

Genes: CYP21A2 (cytochrome P450 family 21 subfamily A member 2; plus strand), LOC106780800 (CYP21A2 recombination region; plus strand). Cytogenetic location: 6p21.33.
Variant type: single nucleotide variant.
Coding change: c.550-8T>C on transcript NM_000500.9 (MANE Select); 8 bases into the intron before coding-DNA position 550, T replaced by C.
Molecular consequence: intron variant.
Genome position (GRCh38, 1-based): chr6:32,039,538, T>C. VCF-style: chr6-32039538-T-C. GRCh37 (hg19) VCF-style: chr6-32007315-T-C.
Other names: c.145-8T>C (NM_001368143.2, NM_001368144.2); c.460-8T>C (NM_001128590.4).
Identifiers: ClinVar variation 256295 (VCV000256295.6), dbSNP rs1040311, ClinGen allele CA3732439.
Genomic context (GRCh38, chr6:32,039,538, plus strand): 5'-CCCACCCCCAGCCCCTCCCTGAGCCTCTCCTTGTCCTGAACTGAAAGTACTCCCTCCTTT[T>C]CTGGCAGGACGACAACTTAATGCCTGCCTATTACAAATGTATCCAGGAGGTGTTAAAAAC-3'

ClinVar aggregate classification (germline): Benign. Review status: criteria provided, multiple submitters, no conflicts (2 of 4 stars). 4 submissions from 4 submitters: Benign (4). Last evaluated 2025-09-17.

Allele frequency attached by ClinVar (database versions not stated): ExAC 0.00187; gnomAD exomes 0.01173; gnomAD 0.03841 and 0.03884; 1000 Genomes Project 30x 0.05059.

Submissions (4):

Athena Diagnostics
Classification: Benign. Last evaluated: 2025-09-17. Review status: criteria provided, single submitter. Criteria: Athena Diagnostics Criteria. Collection method: clinical testing. Allele origin: unknown.
Comment: The frequency of this variant in the general population is higher than would generally be expected for pathogenic variants in this gene. Computational tools yielded predictions that this variant is unlikely to have an effect on normal RNA splicing. This nucleotide position exhibits low evolutionary conservation. This variant has been seen where an alternate explanation for disease was also identified.

Women's Health and Genetics/Laboratory Corporation of America, LabCorp
Classification: Benign. Last evaluated: 2025-04-23. Review status: criteria provided, single submitter. Criteria: LabCorp Variant Classification Summary - May 2015. Collection method: clinical testing. Allele origin: germline.
Comment: Variant summary: CYP21A2 c.550-8T>C alters a non-conserved nucleotide located at a position not widely known to affect splicing. Consensus agreement among computation tools predict no significant impact on normal splicing. However, these predictions have yet to be confirmed by functional studies. The variant allele was found at a frequency of 0.012 in 206788 control chromosomes in the gnomAD database, including 217 homozygotes. The observed variant frequency is approximately 6-fold of the estimated maximal expected allele frequency for a pathogenic variant in CYP21A2 causing Congenital Adrenal Hyperplasia phenotype (0.002). To our knowledge, no occurrence of c.550-8T>C in individuals affected with Congenital Adrenal Hyperplasia and no experimental evidence demonstrating its impact on protein function have been reported. The following publications have been ascertained in the context of this evaluation (PMID: 1496017, 15110320). ClinVar contains an entry for this variant (Variation ID: 256295). Based on the evidence outlined above, the variant was classified as benign.

Blueprint Genetics
Classification: Benign. Last evaluated: 2024-11-26. Review status: criteria provided, single submitter. Criteria: ACMG Guidelines, 2015. Collection method: clinical testing. Allele origin: germline.

PreventionGenetics, part of Exact Sciences
Classification: Benign. Review status: criteria provided, single submitter. Criteria: ACMG Guidelines, 2015. Collection method: clinical testing. Allele origin: germline.

Literature cited by the submitters: PubMed 25227725 (cited by Athena Diagnostics); PubMed 27896104 (cited by Athena Diagnostics); PubMed 29266270 (cited by Athena Diagnostics); PubMed 16487445 (cited by Athena Diagnostics); PubMed 19169499 (cited by Athena Diagnostics); PubMed 25249698 (cited by Athena Diagnostics); PubMed 1496017 (cited by Women's Health and Genetics/Laboratory Corporation of America, LabCorp); PubMed 15110320 (cited by Women's Health and Genetics/Laboratory Corporation of America, LabCorp).